The following is an entry in ClinVar:

ClinVar aggregate classification (germline): Uncertain significance. Review status: criteria provided, multiple submitters, no conflicts (2 of 4 stars). 3 submissions from 3 submitters: Uncertain significance (3). Last evaluated 2024-03-06.

Conditions:
Hereditary cancer-predisposing syndrome. Also called: Neoplastic Syndromes, Hereditary; Tumor predisposition; Hereditary neoplastic syndrome; Hereditary Cancer Syndrome. Identifiers: Orphanet 140162, MedGen C0027672, MeSH D009386, MONDO:0015356.
Familial cancer of breast. Also called: BREAST CANCER, FAMILIAL; hereditary breast carcinoma; Hereditary breast cancer. Identifiers: Orphanet 227535, MedGen C0346153, MONDO:0016419, OMIM 114480. Disease mechanism: loss of function.

Submissions (3):

Color Diagnostics, LLC DBA Color Health
Classification: Uncertain significance for Hereditary cancer-predisposing syndrome. Last evaluated: 2024-03-06. Review status: criteria provided, single submitter. Criteria: ACMG Guidelines, 2015. Collection method: clinical testing. Allele origin: germline.
Comment: This missense variant replaces lysine with glutamic acid at codon 171 of the BARD1 protein. Computational prediction suggests that this variant may not impact protein structure and function (internally defined REVEL score threshold <= 0.5, PMID: 27666373). To our knowledge, functional studies have not been reported for this variant. This variant has not been reported in individuals affected with hereditary cancer in the literature. This variant has not been identified in the general population by the Genome Aggregation Database (gnomAD). The available evidence is insufficient to determine the role of this variant in disease conclusively. Therefore, this variant is classified as a Variant of Uncertain Significance.

Ambry Genetics
Classification: Uncertain significance for Hereditary cancer-predisposing syndrome. Last evaluated: 2024-02-09. Review status: criteria provided, single submitter. Criteria: Ambry Variant Classification Scheme 2023. Collection method: clinical testing. Allele origin: germline.
Comment: The p.K171E variant (also known as c.511A>G), located in coding exon 4 of the BARD1 gene, results from an A to G substitution at nucleotide position 511. The lysine at codon 171 is replaced by glutamic acid, an amino acid with similar properties. This amino acid position is conserved. In addition, this alteration is predicted to be tolerated by in silico analysis. Based on the available evidence, the clinical significance of this alteration remains unclear.

Labcorp Genetics (formerly Invitae), Labcorp
Classification: Uncertain significance for Familial cancer of breast. Last evaluated: 2021-05-31. Review status: criteria provided, single submitter. Criteria: Invitae Variant Classification Sherloc (09022015). Collection method: clinical testing. Allele origin: germline.
Comment: In summary, the available evidence is currently insufficient to determine the role of this variant in disease. Therefore, it has been classified as a Variant of Uncertain Significance. Algorithms developed to predict the effect of missense changes on protein structure and function output the following: SIFT: "Tolerated"; PolyPhen-2: "Benign"; Align-GVGD: "Class C0". The glutamic acid amino acid residue is found in multiple mammalian species, suggesting that this missense change does not adversely affect protein function. These predictions have not been confirmed by published functional studies and their clinical significance is uncertain. This variant has not been reported in the literature in individuals with BARD1-related disease. This variant is not present in population databases (ExAC no frequency). This sequence change replaces lysine with glutamic acid at codon 171 of the BARD1 protein (p.Lys171Glu). The lysine residue is moderately conserved and there is a small physicochemical difference between lysine and glutamic acid.

NM_000465.4(BARD1):c.511A>G (p.Lys171Glu)

Gene: BARD1 (BRCA1 associated RING domain 1; minus strand). Cytogenetic location: 2q35.
Variant type: single nucleotide variant.
Coding change: c.511A>G on transcript NM_000465.4 (MANE Select); coding-DNA position 511, A replaced by G.
Protein change: p.Lys171Glu; replaces lysine 171 with glutamic acid.
Molecular consequence: missense variant. On other transcripts: non-coding transcript variant (2), intron variant (3).
Genome position (GRCh38, 1-based): chr2:214,781,363, T>C on the plus strand (A>G on the coding strand, the complement: BARD1 is on the minus strand). VCF-style: chr2-214781363-T-C. GRCh37 (hg19) VCF-style: chr2-215646087-T-C.
Other names: c.454A>G, p.Lys152Glu (NM_001282543.2); c.158+28049A>G (NM_001282548.2); c.215+15698A>G (NM_001282545.2); c.364+10934A>G (NM_001282549.2); c.511A>G (NM_000465.2); short protein forms K171E, K152E.
Identifiers: ClinVar variation 580797 (VCV000580797.15), dbSNP rs1559426015, ClinGen allele CA350457496.